The following is an entry in ClinVar:

NM_007294.4(BRCA1):c.5069A>T (p.Lys1690Ile)

Gene: BRCA1 (BRCA1 DNA repair associated; minus strand). Cytogenetic location: 17q21.31.
Variant type: single nucleotide variant.
Coding change: c.5069A>T on transcript NM_007294.4 (MANE Select); coding-DNA position 5069, A replaced by T.
Protein change: p.Lys1690Ile; replaces lysine 1690 with isoleucine.
Molecular consequence: missense variant. On other transcripts: non-coding transcript variant (1).
Genome position (GRCh38, 1-based): chr17:43,067,613, T>A on the plus strand (A>T on the coding strand, the complement: BRCA1 is on the minus strand). VCF-style: chr17-43067613-T-A. GRCh37 (hg19) VCF-style: chr17-41219630-T-A.
Other names: c.4856A>T, p.Lys1619Ile (NM_001407571.1, NM_001407896.1, NM_001407897.1 and 12 more transcripts); c.5135A>T, p.Lys1712Ile (NM_001407581.1, NM_001407582.1); c.5132A>T, p.Lys1711Ile (NM_001407583.1, NM_001407585.1, NM_001407587.1 and 1 more transcripts); c.5129A>T, p.Lys1710Ile (NM_001407590.1, NM_001407591.1); c.5069A>T, p.Lys1690Ile (NM_001407593.1, NM_001407594.1, NM_001407596.1 and 8 more transcripts); c.5066A>T, p.Lys1689Ile (NM_001407610.1, NM_001407611.1, NM_001407612.1 and 17 more transcripts); c.5063A>T, p.Lys1688Ile (NM_001407627.1, NM_001407628.1, NM_001407629.1 and 14 more transcripts); c.5060A>T, p.Lys1687Ile (NM_001407645.1, NM_001407644.1); and 70 more; short protein forms K1711I, K1690I, K586I, K1643I, K1393I, K1561I, K1563I, K1579I.
Identifiers: ClinVar variation 868587 (VCV000868587.3), dbSNP rs2052157455, ClinGen allele CA10591381.

Conditions:
Breast-ovarian cancer, familial, susceptibility to, 1 (BROVCA1). Also called: BRCA1 Hereditary Breast and Ovarian Cancer; OVARIAN CANCER, SUSCEPTIBILITY TO. Identifiers: Orphanet 145, MedGen C2676676, MONDO:0011450, OMIM 604370. Disease mechanism: loss of function.

Submission:

Brotman Baty Institute, University of Washington
No classification provided (evidence only). Condition: Breast-ovarian cancer, familial 1. Review status: no classification provided. Collection method: in vitro. Allele origin: not applicable. Functional consequence: function_uncertain_variant.
ClinVar note: "not provided" was previously submitted as the classification for the variant. However, the classification appeared to be based only on an observation of functional data so it was converted to no classification on 2025-07-30.